The following is an entry in ClinVar:

ClinVar aggregate classification (germline): Likely benign (1 of 4 stars; one submission).

gnomAD v4.1: 74 of 1,596,960 alleles (0.0046%); highest among the groups gnomAD compares: Admixed American, 0.085%; no homozygotes.

Submission:

CeGaT Center for Human Genetics Tuebingen
Classification: Likely benign. Last evaluated: 2026-08-01. Review status: criteria provided, single submitter. Criteria: CeGaT Center For Human Genetics Tuebingen Variant Classification Criteria Version 2. Collection method: clinical testing. Allele origin: germline. Affected: yes. Observed: 1 variant allele.
Comment: EXT2: BP4, BP7

NM_207122.2(EXT2):c.1173+14201G>A

Gene: EXT2 (exostosin glycosyltransferase 2; plus strand). Cytogenetic location: 11p11.2.
Variant type: single nucleotide variant.
Coding change: c.1173+14201G>A on transcript NM_207122.2 (MANE Select); 14201 bases into the intron after coding-DNA position 1173, G replaced by A.
Molecular consequence: intron variant. On other transcripts: synonymous variant (1).
Genome position (GRCh38, 1-based): chr11:44,144,339, G>A. VCF-style: chr11-44144339-G-A. GRCh37 (hg19) VCF-style: chr11-44165889-G-A.
Other names: c.1173+14201G>A (NM_001389628.1, NM_001389630.1); c.1266G>A, p.Gln422= (NM_001178083.3); c.1272+14201G>A (NM_000401.3).
Identifiers: ClinVar variation 5039357 (VCV005039357.1).
Genomic context (GRCh38, chr11:44,144,339, plus strand): 5'-GTCAGCTGCTAATCACCAAATGAACTCCCTGATCTGGCCTAGGGAACAGTGGGATTCACA[G>A]GCATGGGTGACTTAGAAAACCGGGCCCAGCAGAAATGAATCTCTAGTCTCTTTGCTGAGA-3'